The following is an entry in ClinVar:

ClinVar aggregate classification (germline): Uncertain significance (1 of 4 stars; one submission).

Conditions:
LAMA5-related disorder. Also called: LAMA5-related condition; LAMA5-Related Disorders.

gnomAD v4.1: 311 of 1,549,998 alleles (0.02%); highest among the groups gnomAD compares: Non-Finnish European, 0.025%; no homozygotes.

Submission:

PreventionGenetics, part of Exact Sciences
Classification: Uncertain significance for LAMA5-related condition. Last evaluated: 2025-03-20. Review status: criteria provided, single submitter. Criteria: ACMG Guidelines, 2015. Collection method: clinical testing. Allele origin: germline.
Comment: The LAMA5 c.7373C>T variant is predicted to result in the amino acid substitution p.Ala2458Val. To our knowledge, this variant has not been reported in the literature. This variant is reported in 0.025% of alleles in individuals of Latino descent in gnomAD. At this time, the clinical significance of this variant is uncertain due to the absence of conclusive functional and genetic evidence.

NM_005560.6(LAMA5):c.7373C>T (p.Ala2458Val)

Gene: LAMA5 (laminin subunit alpha 5; minus strand). Cytogenetic location: 20q13.33.
Variant type: single nucleotide variant.
Coding change: c.7373C>T on transcript NM_005560.6 (MANE Select); coding-DNA position 7373, C replaced by T.
Protein change: p.Ala2458Val; replaces alanine 2458 with valine.
Molecular consequence: missense variant.
Genome position (GRCh38, 1-based): chr20:62,317,483, G>A on the plus strand (C>T on the coding strand, the complement: LAMA5 is on the minus strand). VCF-style: chr20-62317483-G-A. GRCh37 (hg19) VCF-style: chr20-60892539-G-A.
Other names: short protein forms A2458V.
Identifiers: ClinVar variation 3351793 (VCV003351793.2).